The following is an entry in ClinVar:

ClinVar aggregate classification (germline): Uncertain significance (1 of 4 stars; one submission).

Conditions:
Epidermolysis bullosa simplex 5B, with muscular dystrophy (EBS5B). Also called: Epidermolysis bullosa simplex with muscular dystrophy; EPIDERMOLYSIS BULLOSA SIMPLEX AND LIMB-GIRDLE MUSCULAR DYSTROPHY. Identifiers: Orphanet 257, MedGen C2931072, MONDO:0009181, OMIM 226670.
Epidermolysis bullosa simplex, Ogna type (EBS5A). Also called: Pidermolysis bullosa simplex 5A, Ogna type; EPIDERMOLYSIS BULLOSA SIMPLEX 5A, OGNA TYPE. Identifiers: Orphanet 79401, MedGen C0432317, MONDO:0007555, OMIM 131950.
Epidermolysis bullosa simplex with nail dystrophy (EBS5D). Identifiers: MedGen C4225309, MONDO:0014661, OMIM 616487.
Epidermolysis bullosa simplex 5C, with pyloric atresia (EBS5C). Also called: PLEC1-Related Epidermolysis Bullosa with Pyloric Atresia; PLEC-Related Epidermolysis Bullosa with Pyloric Atresia; Epidermolysis bullosa simplex with pyloric atresia. Identifiers: Orphanet 158684, MedGen C2677349, MONDO:0012807, OMIM 612138.
Autosomal recessive limb-girdle muscular dystrophy type 2Q (LGMDR17). Also called: MUSCULAR DYSTROPHY, LIMB-GIRDLE, AUTOSOMAL RECESSIVE 17. Identifiers: Orphanet 254361, MedGen C3150989, MONDO:0013390, OMIM 613723.

Submission:

Labcorp Genetics (formerly Invitae), Labcorp
Classification: Uncertain significance for Autosomal recessive limb-girdle muscular dystrophy type 2Q; Epidermolysis bullosa simplex, Ogna type; Epidermolysis bullosa simplex with nail dystrophy; Epidermolysis bullosa simplex 5C, with pyloric atresia; Epidermolysis bullosa simplex 5B, with muscular dystrophy. Last evaluated: 2022-07-01. Review status: criteria provided, single submitter. Criteria: Invitae Variant Classification Sherloc (09022015). Collection method: clinical testing. Allele origin: germline.
Comment: In summary, the available evidence is currently insufficient to determine the role of this variant in disease. Therefore, it has been classified as a Variant of Uncertain Significance. Algorithms developed to predict the effect of missense changes on protein structure and function are either unavailable or do not agree on the potential impact of this missense change (SIFT: "Deleterious"; PolyPhen-2: "Not Available"; Align-GVGD: "Class C15"). This variant has not been reported in the literature in individuals affected with PLEC-related conditions. This variant is not present in population databases (gnomAD no frequency). This sequence change replaces glutamic acid, which is acidic and polar, with glycine, which is neutral and non-polar, at codon 593 of the PLEC protein (p.Glu593Gly).

NM_201384.3(PLEC):c.1697A>G (p.Glu566Gly)

Gene: PLEC (plectin; minus strand). Cytogenetic location: 8q24.3.
Variant type: single nucleotide variant.
Coding change: c.1697A>G on transcript NM_201384.3 (MANE Select); coding-DNA position 1697, A replaced by G.
Protein change: p.Glu566Gly; replaces glutamic acid 566 with glycine.
Molecular consequence: missense variant.
Genome position (GRCh38, 1-based): chr8:143,932,833, T>C on the plus strand (A>G on the coding strand, the complement: PLEC is on the minus strand). VCF-style: chr8-143932833-T-C. GRCh37 (hg19) VCF-style: chr8-145007001-T-C.
Other names: c.1778A>G, p.Glu593Gly (NM_000445.5, NM_001410941.1); c.1655A>G, p.Glu552Gly (NM_201378.4); c.1631A>G, p.Glu544Gly (NM_201379.3); c.2108A>G, p.Glu703Gly (NM_201380.4); c.1601A>G, p.Glu534Gly (NM_201381.3); c.1697A>G, p.Glu566Gly (NM_201382.4); c.1709A>G, p.Glu570Gly (NM_201383.3); short protein forms E534G, E570G, E593G, E544G, E552G, E566G, E703G.
Identifiers: ClinVar variation 1960886 (VCV001960886.5), dbSNP rs2538844466, ClinGen allele CA372579327.
Genomic context (GRCh38, chr8:143,932,833, plus strand): 5'-CATCGCTCAGCGCCACCCACCTCGTCACTCCGTGCCCGCTCGATCTTGGCCCGGAATTCT[T>C]CGATGGACTGGTGCAGGCCTCGGTGGCTGCCCAGCTGCGCCTCCACGCTGGGCAGGTCCA-3'
Protein context (NP_958786.1, residues 556-576): GSHRGLHQSI[Glu566Gly]EFRAKIERAR